The following is an entry in ClinVar:

NM_018960.6(GNMT):c.847A>G (p.Ile283Val)

Genes: GNMT (glycine N-methyltransferase; plus strand), CNPY3-GNMT (CNPY3-GNMT readthrough; plus strand). Cytogenetic location: 6p21.1.
Variant type: single nucleotide variant.
Coding change: c.847A>G on transcript NM_018960.6 (MANE Select); coding-DNA position 847, A replaced by G.
Protein change: p.Ile283Val; replaces isoleucine 283 with valine.
Molecular consequence: missense variant. On other transcripts: non-coding transcript variant (4).
Genome position (GRCh38, 1-based): chr6:42,963,665, A>G. VCF-style: chr6-42963665-A-G. GRCh37 (hg19) VCF-style: chr6-42931403-A-G.
Other names: c.649A>G, p.Ile217Val (NM_001318856.2); c.664A>G, p.Ile222Val (NM_001318857.2); c.556A>G, p.Ile186Val (NM_001318858.2); c.790A>G, p.Ile264Val (NM_001318865.2); c.847A>G (NM_018960.4); short protein forms I283V, I217V, I222V, I186V, I264V.
Identifiers: ClinVar variation 2077767 (VCV002077767.4), dbSNP rs150118634, ClinGen allele CA3810823.

ClinVar aggregate classification (germline): Conflicting classifications of pathogenicity. Review status: criteria provided, conflicting classifications (1 of 4 stars). 2 submissions from 2 submitters: Uncertain significance (1); Likely benign (1). Last evaluated 2025-10-23.

Allele frequency attached by ClinVar (database versions not stated): gnomAD 0.00005; gnomAD exomes 0.00006; TOPMed 0.00006; ESP Exome Variant Server 0.00015; 1000 Genomes Project 0.00020; 1000 Genomes Project 30x 0.00031.
gnomAD v4.1: 97 of 1,614,148 alleles (0.006%); highest among the groups gnomAD compares: Admixed American, 0.012%; no homozygotes.

Submissions (2):

Ambry Genetics
Classification: Likely benign. Last evaluated: 2025-10-23. Review status: criteria provided, single submitter. Criteria: Ambry Variant Classification Scheme 2023. Collection method: clinical testing. Allele origin: germline.

Labcorp Genetics (formerly Invitae), Labcorp
Classification: Uncertain significance. Last evaluated: 2025-09-02. Review status: criteria provided, single submitter. Criteria: Invitae Variant Classification Sherloc (09022015). Collection method: clinical testing. Allele origin: germline.
Comment: This sequence change replaces isoleucine, which is neutral and non-polar, with valine, which is neutral and non-polar, at codon 283 of the GNMT protein (p.Ile283Val). This variant is present in population databases (rs150118634, gnomAD 0.01%). This variant has not been reported in the literature in individuals affected with GNMT-related conditions. ClinVar contains an entry for this variant (Variation ID: 2077767). Invitae Evidence Modeling of protein sequence and biophysical properties (such as structural, functional, and spatial information, amino acid conservation, physicochemical variation, residue mobility, and thermodynamic stability) indicates that this missense variant is not expected to disrupt GNMT protein function with a negative predictive value of 80%. In summary, the available evidence is currently insufficient to determine the role of this variant in disease. Therefore, it has been classified as a Variant of Uncertain Significance.